The following is an entry in ClinVar:

ClinVar aggregate classification (germline): Uncertain significance. Review status: criteria provided, multiple submitters, no conflicts (2 of 4 stars). 2 submissions from 2 submitters: Uncertain significance (2). Last evaluated 2024-02-29.

Conditions:
Bethlem myopathy 1A. Also called: Bethlem myopathy 1; Bethlem Muscular Dystrophy; MYOPATHY, BENIGN CONGENITAL, WITH CONTRACTURES. Identifiers: Orphanet 610, MedGen CN029274, MONDO:0024530, OMIM 158810.

Allele frequency attached by ClinVar (database versions not stated): 1000 Genomes Project 30x 0.00016; ExAC 0.00001; gnomAD exomes 0.00001.
gnomAD v4.1: 20 of 1,608,170 alleles (0.0012%); highest among the groups gnomAD compares: East Asian, 0.025%; no homozygotes.

Submissions (2):

Revvity Omics, Revvity
Classification: Uncertain significance. Last evaluated: 2024-02-29. Review status: criteria provided, single submitter. Criteria: ACMG Guidelines, 2015. Collection method: clinical testing. Allele origin: germline.

Labcorp Genetics (formerly Invitae), Labcorp
Classification: Uncertain significance for Bethlem myopathy 1A. Last evaluated: 2022-06-20. Review status: criteria provided, single submitter. Criteria: Invitae Variant Classification Sherloc (09022015). Collection method: clinical testing. Allele origin: germline.
Comment: In summary, the available evidence is currently insufficient to determine the role of this variant in disease. Therefore, it has been classified as a Variant of Uncertain Significance. Advanced modeling of protein sequence and biophysical properties (such as structural, functional, and spatial information, amino acid conservation, physicochemical variation, residue mobility, and thermodynamic stability) performed at Invitae indicates that this missense variant is not expected to disrupt COL6A2 protein function. This variant has not been reported in the literature in individuals affected with COL6A2-related conditions. This variant is present in population databases (rs750682710, gnomAD 0.005%). This sequence change replaces aspartic acid, which is acidic and polar, with asparagine, which is neutral and polar, at codon 1001 of the COL6A2 protein (p.Asp1001Asn).

NM_001849.4(COL6A2):c.3001G>A (p.Asp1001Asn)

Gene: COL6A2 (collagen type VI alpha 2 chain; plus strand). Cytogenetic location: 21q22.3.
Variant type: single nucleotide variant.
Coding change: c.3001G>A on transcript NM_001849.4 (MANE Select); coding-DNA position 3001, G replaced by A.
Protein change: p.Asp1001Asn; replaces aspartic acid 1001 with asparagine.
Molecular consequence: missense variant.
Genome position (GRCh38, 1-based): chr21:46,132,493, G>A. VCF-style: chr21-46132493-G-A. GRCh37 (hg19) VCF-style: chr21-47552407-G-A.
Other names: short protein forms D1001N.
Identifiers: ClinVar variation 1370694 (VCV001370694.8), dbSNP rs750682710, ClinGen allele CA10073135.